The following is an entry in ClinVar:

NM_004519.4(KCNQ3):c.1938C>T (p.His646=)

Gene: KCNQ3 (potassium voltage-gated channel subfamily Q member 3; minus strand). Cytogenetic location: 8q24.22.
Variant type: single nucleotide variant.
Coding change: c.1938C>T on transcript NM_004519.4 (MANE Select); coding-DNA position 1938, C replaced by T.
Protein change: p.His646=; no amino-acid change (histidine 646 retained).
Molecular consequence: synonymous variant.
Genome position (GRCh38, 1-based): chr8:132,129,943, G>A on the plus strand (C>T on the coding strand, the complement: KCNQ3 is on the minus strand). VCF-style: chr8-132129943-G-A. GRCh37 (hg19) VCF-style: chr8-133142190-G-A.
Other names: c.1578C>T, p.His526= (NM_001204824.2).
Identifiers: ClinVar variation 590071 (VCV000590071.28), dbSNP rs759859458, ClinGen allele CA4880538.

ClinVar aggregate classification (germline): Likely benign. Review status: criteria provided, multiple submitters, no conflicts (2 of 4 stars). 4 submissions from 4 submitters: Likely benign (4). Last evaluated 2024-10-01.

Conditions:
Benign neonatal seizures. Also called: Benign familial neonatal seizures; Benign neonatal familial convulsions; Convulsions benign familial neonatal dominant form; Autosomal dominant form of benign neonatal seizures; Benign familial neonatal epilepsy. Identifiers: Orphanet 1949, MedGen C0220669, MONDO:0016027.
Inborn genetic diseases. Identifiers: MedGen C0950123, MeSH D030342.

Allele frequency attached by ClinVar (database versions not stated): ExAC 0.00001; gnomAD exomes 0.00001 and 0.00002.
gnomAD v4.1: 26 of 1,613,982 alleles (0.0016%); highest among the groups gnomAD compares: Non-Finnish European, 0.0022%; no homozygotes.

Submissions (4):

CeGaT Center for Human Genetics Tuebingen
Classification: Likely benign. Last evaluated: 2024-10-01. Review status: criteria provided, single submitter. Criteria: CeGaT Center For Human Genetics Tuebingen Variant Classification Criteria Version 2. Collection method: clinical testing. Allele origin: germline. Affected: yes. Observed: 1 variant allele.
Comment: KCNQ3: BP4, BP7

Labcorp Genetics (formerly Invitae), Labcorp
Classification: Likely benign for Benign neonatal seizures. Last evaluated: 2023-10-31. Review status: criteria provided, single submitter. Criteria: Invitae Variant Classification Sherloc (09022015). Collection method: clinical testing. Allele origin: germline.

Blueprint Genetics
Classification: Likely benign. Last evaluated: 2023-08-02. Review status: criteria provided, single submitter. Criteria: ACMG Guidelines, 2015. Collection method: clinical testing. Allele origin: germline.

Ambry Genetics
Classification: Likely benign for Inborn genetic diseases. Last evaluated: 2017-02-09. Review status: criteria provided, single submitter. Criteria: Ambry Variant Classification Scheme 2023. Collection method: clinical testing. Allele origin: germline.